The following is an entry in ClinVar:

NM_016169.4(SUFU):c.*1715A>G

Gene: SUFU (SUFU negative regulator of hedgehog signaling; plus strand). Cytogenetic location: 10q24.32.
Variant type: single nucleotide variant.
Coding change: c.*1715A>G on transcript NM_016169.4 (MANE Select); 1715 bases downstream of the stop codon, A replaced by G.
Molecular consequence: 3 prime UTR variant.
Genome position (GRCh38, 1-based): chr10:102,631,870, A>G. VCF-style: chr10-102631870-A-G. GRCh37 (hg19) VCF-style: chr10-104391627-A-G.
Identifiers: ClinVar variation 298594 (VCV000298594.6), dbSNP rs11818043, ClinGen allele CA10634405.
Genomic context (GRCh38, chr10:102,631,870, plus strand): 5'-CATCAAGCTCAGAGTTAAAAGGCATATCAGCCTGGAGTATTTGGGAGAGACTGGCTGCAG[A>G]TCCCCGCCAGCCAAGATGCAAGCCACTCGGGACCTGATGTCGGCAGCTGTGCCTCTACTG-3'

ClinVar aggregate classification (germline): Benign. Review status: criteria provided, multiple submitters, no conflicts (2 of 4 stars). 2 submissions from 2 submitters: Benign (2). Last evaluated 2018-01-13.

Conditions:
Medulloblastoma (MDB). Also called: Medulloblastoma, somatic; MEDULLOBLASTOMA PREDISPOSITION SYNDROME. Identifiers: Orphanet 616, MedGen C0025149, MeSH D008527, MONDO:0007959, OMIM 155255, HP:0002885.

Allele frequency attached by ClinVar (database versions not stated): gnomAD 0.14606 and 0.15134; gnomAD exomes 0.15846; TOPMed 0.16609; 1000 Genomes Project 30x 0.24313; 1000 Genomes Project 0.24601.
gnomAD v4.1: 35,635 of 233,234 alleles (15%); highest among the groups gnomAD compares: East Asian, 45%; 3,990 homozygotes.

Submissions (2):

Illumina Laboratory Services, Illumina
Classification: Benign for Medulloblastoma. Last evaluated: 2018-01-13. Review status: criteria provided, single submitter. Criteria: ICSL Variant Classification Criteria 13 December 2019. Collection method: clinical testing. Allele origin: germline.
Comment: This variant was observed in the ICSL laboratory as part of a predisposition screen in an ostensibly healthy population. It had not been previously curated by ICSL or reported in the Human Gene Mutation Database (HGMD: prior to June 1st, 2018), and was therefore a candidate for classification through an automated scoring system. Utilizing variant allele frequency, disease prevalence and penetrance estimates, and inheritance mode, an automated score was calculated to assess if this variant is too frequent to cause the disease. Based on the score and internal cut-off values, a variant classified as benign is not then subjected to further curation. The score for this variant resulted in a classification of benign for this disease.

Breakthrough Genomics
Classification: Benign. Review status: criteria provided, single submitter. Criteria: ACMG Guidelines, 2015. Collection method: not provided. Allele origin: germline. Inheritance: Autosomal recessive inheritance. Affected: yes.